The following is an entry in ClinVar:

ClinVar aggregate classification (germline): Uncertain significance (1 of 4 stars; one submission).

Submission:

Labcorp Genetics (formerly Invitae), Labcorp
Classification: Uncertain significance. Last evaluated: 2023-04-30. Review status: criteria provided, single submitter. Criteria: Invitae Variant Classification Sherloc (09022015). Collection method: clinical testing. Allele origin: germline.
Comment: In summary, the available evidence is currently insufficient to determine the role of this variant in disease. Therefore, it has been classified as a Variant of Uncertain Significance. Experimental studies and prediction algorithms are not available or were not evaluated, and the functional significance of this variant is currently unknown. This variant has not been reported in the literature in individuals affected with FOXI3-related conditions. The frequency data for this variant in the population databases is considered unreliable, as metrics indicate insufficient coverage at this position in the gnomAD database. This variant, c.210_221del, results in the deletion of 4 amino acid(s) of the FOXI3 protein (p.Ala71_Ala74del), but otherwise preserves the integrity of the reading frame.

NM_001135649.3(FOXI3):c.210_221del (p.Ala71_Ala74del)

Gene: FOXI3 (forkhead box I3; minus strand). Cytogenetic location: 2p11.2.
Variant type: Deletion.
Coding change: c.210_221del on transcript NM_001135649.3 (MANE Select); coding-DNA positions 210 to 221, 12 bases deleted (AGCCGCCGCCGC).
Protein change: p.Ala71_Ala74del.
Molecular consequence: inframe deletion.
Genome position (GRCh38, 1-based): chr2:88,452,315-88,452,326, GCGGCGGCGGCT deleted on the plus strand (AGCCGCCGCCGC on the coding strand, the reverse complement: FOXI3 is on the minus strand); deleting any 12 consecutive bases within chr2:88,452,315-88,452,337 gives the same sequence; the c. name uses the placement nearest the transcript's 3' end. VCF-style (leftmost placement, unchanged base first): chr2-88452314-CGCGGCGGCGGCT-C. GRCh37 (hg19) VCF-style: chr2-88751832-CGCGGCGGCGGCT-C.
Identifiers: ClinVar variation 2966910 (VCV002966910.3), dbSNP rs1179788514, ClinGen allele CA894287437.